The following is an entry in ClinVar:

NM_005337.5(NCKAP1L):c.455G>A (p.Arg152Gln)

Gene: NCKAP1L (NCK associated protein 1 like; plus strand). Cytogenetic location: 12q13.2.
Variant type: single nucleotide variant.
Coding change: c.455G>A on transcript NM_005337.5 (MANE Select); coding-DNA position 455, G replaced by A.
Protein change: p.Arg152Gln; replaces arginine 152 with glutamine.
Molecular consequence: missense variant.
Genome position (GRCh38, 1-based): chr12:54,508,480, G>A. VCF-style: chr12-54508480-G-A. GRCh37 (hg19) VCF-style: chr12-54902264-G-A.
Other names: c.455G>A (NM_005337.4); c.305G>A, p.Arg102Gln (NM_001184976.2); short protein forms R152Q, R102Q.
Identifiers: ClinVar variation 2050898 (VCV002050898.10), dbSNP rs149360088, ClinGen allele CA6608834.
Genomic context (GRCh38, chr12:54,508,480, plus strand): 5'-TGGACTTGATTGTAACTTACACCTCAGTCATTTTACTTCTGTCACGGATTGAAGATCGGC[G>A]GATACTCATTGGCATGTACAATTGTGCCCATGAGATGCTGCATGGGCATGGGTGAGTTAA-3'
Protein context (NP_005328.2, residues 142-162): ILLLSRIEDR[Arg152Gln]ILIGMYNCAH

ClinVar aggregate classification (germline): Conflicting classifications of pathogenicity. Review status: criteria provided, conflicting classifications (1 of 4 stars). 6 submissions from 6 submitters: Uncertain significance (1); Likely benign (4). 1 of the submissions does not count toward it. Last evaluated 2026-09-01.

Conditions:
NCKAP1L-related disorder. Also called: NCKAP1L-related condition.

Allele frequency attached by ClinVar (database versions not stated): 1000 Genomes Project 0.00040; 1000 Genomes Project 30x 0.00047; gnomAD 0.00128; TOPMed 0.00128; ExAC 0.00141; ESP Exome Variant Server 0.00100; gnomAD exomes 0.00199.
gnomAD v4.1: 3,066 of 1,614,142 alleles (0.19%); highest among the groups gnomAD compares: Non-Finnish European, 0.24%; 2 homozygotes.

Submissions (6):

CeGaT Center for Human Genetics Tuebingen
Classification: Likely benign. Last evaluated: 2026-09-01. Review status: criteria provided, single submitter. Criteria: CeGaT Center For Human Genetics Tuebingen Variant Classification Criteria Version 2. Collection method: clinical testing. Allele origin: germline. Affected: yes. Observed: 1 variant allele.
Comment: NCKAP1L: BP4

Labcorp Genetics (formerly Invitae), Labcorp
Classification: Likely benign. Last evaluated: 2026-02-01. Review status: criteria provided, single submitter. Criteria: Invitae Variant Classification Sherloc (09022015). Collection method: clinical testing. Allele origin: germline.

Women's Health and Genetics/Laboratory Corporation of America, LabCorp
Classification: Likely benign. Last evaluated: 2025-05-20. Review status: criteria provided, single submitter. Criteria: LabCorp Variant Classification Summary - May 2015. Collection method: clinical testing. Allele origin: germline.
Comment: Variant summary: NCKAP1L c.455G>A (p.Arg152Gln) results in a conservative amino acid change in the encoded protein sequence. Algorithms developed to predict the effect of missense changes on protein structure and function are either unavailable or do not agree on the potential impact of this missense change. The variant allele was found at a frequency of 0.0013 in 251412 control chromosomes. The observed variant frequency is approximately 1.18 fold of the estimated maximal expected allele frequency for a pathogenic variant in NCKAP1L causing Immunodeficiency 72 with autoinflammation phenotype (0.0011). To our knowledge, no occurrence of c.455G>A in individuals affected with Immunodeficiency 72 with autoinflammation and no experimental evidence demonstrating its impact on protein function have been reported. ClinVar contains an entry for this variant (Variation ID: 2050898). Based on the evidence outlined above, the variant was classified as likely benign.

Blueprint Genetics
Classification: Likely benign. Last evaluated: 2024-11-27. Review status: criteria provided, single submitter. Criteria: ACMG Guidelines, 2015. Collection method: clinical testing. Allele origin: germline.

GeneDx
Classification: Uncertain significance. Last evaluated: 2023-01-29. Review status: criteria provided, single submitter. Criteria: GeneDx Variant Classification Process June 2021. Collection method: clinical testing. Allele origin: germline. Affected: yes.
Comment: In silico analysis supports that this missense variant does not alter protein structure/function; Has not been previously published as pathogenic or benign to our knowledge

PreventionGenetics, part of Exact Sciences
Classification: Likely benign for NCKAP1L-related condition. Last evaluated: 2022-05-10. Review status: no assertion criteria provided. Collection method: clinical testing. Allele origin: germline. Not counted in ClinVar's aggregate classification.
Comment: This variant is classified as likely benign based on ACMG/AMP sequence variant interpretation guidelines (Richards et al. 2015 PMID: 25741868, with internal and published modifications).